The following is an entry in ClinVar:

NM_001267550.2(TTN):c.43213+16C>T

Gene: TTN (titin; minus strand). Cytogenetic location: 2q31.2.
Variant type: single nucleotide variant.
Coding change: c.43213+16C>T on transcript NM_001267550.2 (MANE Select); 16 bases into the intron after coding-DNA position 43213, C replaced by T.
Molecular consequence: intron variant.
Genome position (GRCh38, 1-based): chr2:178,632,902, G>A on the plus strand (C>T on the coding strand, the complement: TTN is on the minus strand). VCF-style: chr2-178632902-G-A. GRCh37 (hg19) VCF-style: chr2-179497629-G-A.
Other names: c.38290+16C>T (NM_001256850.1); c.16018+16C>T (NM_003319.4); c.16594+16C>T (NM_133437.4); c.16393+16C>T (NM_133432.3); c.35509+16C>T (NM_133378.4).
Identifiers: ClinVar variation 378819 (VCV000378819.6), dbSNP rs1057520390, ClinGen allele CA16604021.

ClinVar aggregate classification (germline): Likely benign. Review status: criteria provided, multiple submitters, no conflicts (2 of 4 stars). 2 submissions from 2 submitters: Likely benign (2). Last evaluated 2025-04-11.

Conditions:
Dilated cardiomyopathy 1G (CMD1G). Identifiers: Orphanet 154, MedGen C1858763, MONDO:0011400, OMIM 604145.
Autosomal recessive limb-girdle muscular dystrophy type 2J (LGMDR10). Also called: Limb-girdle muscular dystrophy, type 2J; MUSCULAR DYSTROPHY, LIMB-GIRDLE, AUTOSOMAL RECESSIVE 10. Identifiers: Orphanet 140922, MedGen C1837342, MONDO:0012127, OMIM 608807.

Allele frequency attached by ClinVar (database versions not stated): gnomAD exomes below 0.00001.
gnomAD v4.1: 3 of 1,612,046 alleles (0.00019%); highest among the groups gnomAD compares: Non-Finnish European, 0.00025%; no homozygotes.

Submissions (2):

Labcorp Genetics (formerly Invitae), Labcorp
Classification: Likely benign for Dilated cardiomyopathy 1G; Autosomal recessive limb-girdle muscular dystrophy type 2J. Last evaluated: 2025-04-11. Review status: criteria provided, single submitter. Criteria: Invitae Variant Classification Sherloc (09022015). Collection method: clinical testing. Allele origin: germline.

GeneDx
Classification: Likely benign. Last evaluated: 2016-07-14. Review status: criteria provided, single submitter. Criteria: GeneDx Variant Classification (06012015). Collection method: clinical testing. Allele origin: germline. Affected: yes.
Comment: This variant is considered likely benign or benign based on one or more of the following criteria: it is a conservative change, it occurs at a poorly conserved position in the protein, it is predicted to be benign by multiple in silico algorithms, and/or has population frequency not consistent with disease.